The following is an entry in ClinVar:

ClinVar aggregate classification (germline): Uncertain significance (1 of 4 stars; one submission).

Allele frequency attached by ClinVar (database versions not stated): gnomAD exomes below 0.00001.

Submission:

Women's Health and Genetics/Laboratory Corporation of America, LabCorp
Classification: Uncertain significance. Last evaluated: 2020-11-23. Review status: criteria provided, single submitter. Criteria: LabCorp Variant Classification Summary - May 2015. Collection method: clinical testing. Allele origin: germline.
Comment: Variant summary: A2ML1 c.3971T>G (p.Met1324Arg) results in a non-conservative amino acid change in the encoded protein sequence. Four of five in-silico tools predict a benign effect of the variant on protein function. The variant allele was found at a frequency of 4e-06 in 249004 control chromosomes. The available data on variant occurrences in the general population are insufficient to allow any conclusion about variant significance. To our knowledge, no occurrence of c.3971T>G in individuals affected with Noonan Syndrome and no experimental evidence demonstrating its impact on protein function have been reported. No clinical diagnostic laboratories have submitted clinical-significance assessments for this variant to ClinVar after 2014. Based on the evidence outlined above, the variant was classified as uncertain significance.

NM_144670.6(A2ML1):c.3971T>G (p.Met1324Arg)

Gene: A2ML1 (alpha-2-macroglobulin like 1; plus strand). Cytogenetic location: 12p13.31.
Variant type: single nucleotide variant.
Coding change: c.3971T>G on transcript NM_144670.6 (MANE Select); coding-DNA position 3971, T replaced by G.
Protein change: p.Met1324Arg; replaces methionine 1324 with arginine.
Molecular consequence: missense variant.
Genome position (GRCh38, 1-based): chr12:8,868,267, T>G. VCF-style: chr12-8868267-T-G. GRCh37 (hg19) VCF-style: chr12-9020863-T-G.
Other names: c.2498T>G, p.Met833Arg (NM_001282424.3); short protein forms M1324R, M833R.
Identifiers: ClinVar variation 987794 (VCV000987794.1), dbSNP rs1341976356, ClinGen allele CA383812630.